The following is an entry in ClinVar:

NM_145046.5(CALR3):c.896C>T (p.Ala299Val)

Gene: CALR3 (calreticulin 3; minus strand). Cytogenetic location: 19p13.11.
Variant type: single nucleotide variant.
Coding change: c.896C>T on transcript NM_145046.5 (MANE Select); coding-DNA position 896, C replaced by T.
Protein change: p.Ala299Val; replaces alanine 299 with valine.
Molecular consequence: missense variant.
Genome position (GRCh38, 1-based): chr19:16,482,472, G>A on the plus strand (C>T on the coding strand, the complement: CALR3 is on the minus strand). VCF-style: chr19-16482472-G-A. GRCh37 (hg19) VCF-style: chr19-16593283-G-A.
Other names: short protein forms A299V.
Identifiers: ClinVar variation 1958259 (VCV001958259.5), dbSNP rs2513188211, ClinGen allele CA404607678.

ClinVar aggregate classification (germline): Uncertain significance (1 of 4 stars; one submission).

Conditions:
Hypertrophic cardiomyopathy 19. Also called: Familial hypertrophic cardiomyopathy 19. Identifiers: MedGen CN077603, MONDO:0013476.

Submission:

Labcorp Genetics (formerly Invitae), Labcorp
Classification: Uncertain significance for Hypertrophic cardiomyopathy 19. Last evaluated: 2022-03-18. Review status: criteria provided, single submitter. Criteria: Invitae Variant Classification Sherloc (09022015). Collection method: clinical testing. Allele origin: germline.
Comment: This sequence change replaces alanine, which is neutral and non-polar, with valine, which is neutral and non-polar, at codon 299 of the CALR3 protein (p.Ala299Val). This variant is not present in population databases (gnomAD no frequency). This variant has not been reported in the literature in individuals affected with CALR3-related conditions. Algorithms developed to predict the effect of missense changes on protein structure and function output the following: SIFT: "Tolerated"; PolyPhen-2: "Benign"; Align-GVGD: "Class C0". The valine amino acid residue is found in multiple mammalian species, which suggests that this missense change does not adversely affect protein function. In summary, the available evidence is currently insufficient to determine the role of this variant in disease. Therefore, it has been classified as a Variant of Uncertain Significance.